The following is an entry in ClinVar:

NM_004655.4(AXIN2):c.366G>C (p.Leu122=)

Gene: AXIN2 (axin 2; minus strand). Cytogenetic location: 17q24.1.
Variant type: single nucleotide variant.
Coding change: c.366G>C on transcript NM_004655.4 (MANE Select); coding-DNA position 366, G replaced by C.
Protein change: p.Leu122=; no amino-acid change (leucine 122 retained).
Molecular consequence: synonymous variant.
Genome position (GRCh38, 1-based): chr17:65,558,255, C>G on the plus strand (G>C on the coding strand, the complement: AXIN2 is on the minus strand). VCF-style: chr17-65558255-C-G. GRCh37 (hg19) VCF-style: chr17-63554373-C-G.
Other names: c.366G>C, p.Leu122= (NM_001363813.1).
Identifiers: ClinVar variation 3254307 (VCV003254307.2), dbSNP rs2144587087.

ClinVar aggregate classification (germline): Benign/Likely benign. Review status: criteria provided, multiple submitters, no conflicts (2 of 4 stars). 2 submissions from 2 submitters: Benign (1); Likely benign (1). Last evaluated 2024-09-12.

Conditions:
Oligodontia-cancer predisposition syndrome. Also called: TOOTH AGENESIS-COLORECTAL CANCER SYNDROME. Identifiers: Orphanet 300576, MedGen C1837750, MONDO:0012075, OMIM 608615. Disease mechanism: loss of function.
Hereditary cancer-predisposing syndrome. Also called: Hereditary Cancer Syndrome; Tumor predisposition; Hereditary neoplastic syndrome; Neoplastic Syndromes, Hereditary. Identifiers: Orphanet 140162, MedGen C0027672, MeSH D009386, MONDO:0015356.

Submissions (2):

Ambry Genetics
Classification: Likely benign for Hereditary cancer-predisposing syndrome. Last evaluated: 2024-09-12. Review status: criteria provided, single submitter. Criteria: Ambry Variant Classification Scheme 2023. Collection method: clinical testing. Allele origin: germline.

Myriad Genetics, Inc.
Classification: Benign for Oligodontia-cancer predisposition syndrome. Last evaluated: 2024-06-26. Review status: criteria provided, single submitter. Criteria: Myriad Autosomal Dominant, Autosomal Recessive and X-Linked Classification Criteria (2023). Collection method: clinical testing. Allele origin: unknown.
Comment: This variant is considered benign. This variant is a silent/synonymous amino acid change and it is not expected to impact splicing.